The following is an entry in ClinVar:

ClinVar aggregate classification (germline): Uncertain significance. Review status: criteria provided, multiple submitters, no conflicts (2 of 4 stars). 2 submissions from 2 submitters: Uncertain significance (2). Last evaluated 2022-06-18.

Conditions:
Haddad syndrome (OHD). Also called: Ondine-Hirschsprung disease. Identifiers: Orphanet 99803, MedGen C1859049, MONDO:0020493.
Hereditary cancer-predisposing syndrome. Also called: Tumor predisposition; Hereditary neoplastic syndrome; Neoplastic Syndromes, Hereditary; Hereditary Cancer Syndrome. Identifiers: Orphanet 140162, MedGen C0027672, MeSH D009386, MONDO:0015356.

Allele frequency attached by ClinVar (database versions not stated): gnomAD exomes below 0.00001 and 0.00001; ExAC 0.00001.

Submissions (2):

Ambry Genetics
Classification: Uncertain significance for Hereditary cancer-predisposing syndrome. Last evaluated: 2022-06-18. Review status: criteria provided, single submitter. Criteria: Ambry Variant Classification Scheme 2023. Collection method: clinical testing. Allele origin: germline.
Comment: The p.H89Y variant (also known as c.265C>T), located in coding exon 2 of the PHOX2B gene, results from a C to T substitution at nucleotide position 265. The histidine at codon 89 is replaced by tyrosine, an amino acid with similar properties. This amino acid position is conserved. In addition, the in silico prediction for this alteration is inconclusive. Since supporting evidence is limited at this time, the clinical significance of this alteration remains unclear.

Labcorp Genetics (formerly Invitae), Labcorp
Classification: Uncertain significance for Haddad syndrome. Last evaluated: 2021-05-22. Review status: criteria provided, single submitter. Criteria: Invitae Variant Classification Sherloc (09022015). Collection method: clinical testing. Allele origin: germline.
Comment: This sequence change replaces histidine with tyrosine at codon 89 of the PHOX2B protein (p.His89Tyr). The histidine residue is highly conserved and there is a moderate physicochemical difference between histidine and tyrosine. This variant has not been reported in the literature in individuals with PHOX2B-related conditions. Algorithms developed to predict the effect of missense changes on protein structure and function are either unavailable or do not agree on the potential impact of this missense change (SIFT: "Deleterious"; PolyPhen-2: "Benign"; Align-GVGD: "Class C65"). This variant is present in population databases (rs755664325, ExAC 0.002%). In summary, the available evidence is currently insufficient to determine the role of this variant in disease. Therefore, it has been classified as a Variant of Uncertain Significance.

NM_003924.4(PHOX2B):c.265C>T (p.His89Tyr)

Gene: PHOX2B (paired like homeobox 2B; minus strand). Cytogenetic location: 4p13.
Variant type: single nucleotide variant.
Coding change: c.265C>T on transcript NM_003924.4 (MANE Select); coding-DNA position 265, C replaced by T.
Protein change: p.His89Tyr; replaces histidine 89 with tyrosine.
Molecular consequence: missense variant.
Genome position (GRCh38, 1-based): chr4:41,747,513, G>A on the plus strand (C>T on the coding strand, the complement: PHOX2B is on the minus strand). VCF-style: chr4-41747513-G-A. GRCh37 (hg19) VCF-style: chr4-41749530-G-A.
Other names: short protein forms H89Y.
Identifiers: ClinVar variation 1428060 (VCV001428060.10), dbSNP rs755664325, ClinGen allele CA2901537.